The following is an entry in ClinVar:

ClinVar aggregate classification (germline): Uncertain significance (1 of 4 stars; one submission).

Conditions:
Cholestanol storage disease (CTX). Also called: Cerebrotendinous Xanthomatosis; CTX: Cerebrotendinous xanthomatosis; CEREBRAL CHOLESTERINOSIS. Identifiers: Orphanet 909, MedGen C0238052, MONDO:0008948, OMIM 213700.

Submission:

Labcorp Genetics (formerly Invitae), Labcorp
Classification: Uncertain significance for Cholestanol storage disease. Last evaluated: 2023-10-03. Review status: criteria provided, single submitter. Criteria: Invitae Variant Classification Sherloc (09022015). Collection method: clinical testing. Allele origin: germline.
Comment: This sequence change replaces leucine, which is neutral and non-polar, with phenylalanine, which is neutral and non-polar, at codon 314 of the CYP27A1 protein (p.Leu314Phe). This variant is not present in population databases (gnomAD no frequency). This variant has not been reported in the literature in individuals affected with CYP27A1-related conditions. ClinVar contains an entry for this variant (Variation ID: 1905179). Advanced modeling of protein sequence and biophysical properties (such as structural, functional, and spatial information, amino acid conservation, physicochemical variation, residue mobility, and thermodynamic stability) has been performed at Invitae for this missense variant, however the output from this modeling did not meet the statistical confidence thresholds required to predict the impact of this variant on CYP27A1 protein function. In summary, the available evidence is currently insufficient to determine the role of this variant in disease. Therefore, it has been classified as a Variant of Uncertain Significance.

NM_000784.4(CYP27A1):c.942A>T (p.Leu314Phe)

Gene: CYP27A1 (cytochrome P450 family 27 subfamily A member 1; plus strand). Cytogenetic location: 2q35.
Variant type: single nucleotide variant.
Coding change: c.942A>T on transcript NM_000784.4 (MANE Select); coding-DNA position 942, A replaced by T.
Protein change: p.Leu314Phe; replaces leucine 314 with phenylalanine.
Molecular consequence: missense variant.
Genome position (GRCh38, 1-based): chr2:218,813,021, A>T. VCF-style: chr2-218813021-A-T. GRCh37 (hg19) VCF-style: chr2-219677744-A-T.
Other names: short protein forms L314F.
Identifiers: ClinVar variation 1905179 (VCV001905179.5), dbSNP rs2470227572, ClinGen allele CA350588608.
Genomic context (GRCh38, chr2:218,813,021, plus strand): 5'-GGCCCAACTGCAGGCAGCAGGGCCAGATGGCATCCAGGTGTCTGGCTACCTGCACTTCTT[A>T]CTGGCCAGTGGACAGCTCAGTCCTCGGGAGGCCATGGGCAGCCTGCCTGAGCTGCTCATG-3'
Protein context (NP_000775.1, residues 304-324): GIQVSGYLHF[Leu314Phe]LASGQLSPRE